The following is an entry in ClinVar:

NM_001267727.2(ARSG):c.344C>T (p.Pro115Leu)

Gene: ARSG (arylsulfatase G; plus strand). Cytogenetic location: 17q24.2.
Variant type: single nucleotide variant.
Coding change: c.344C>T on transcript NM_001267727.2 (MANE Select); coding-DNA position 344, C replaced by T.
Protein change: p.Pro115Leu; replaces proline 115 with leucine.
Molecular consequence: missense variant.
Genome position (GRCh38, 1-based): chr17:68,343,729, C>T. VCF-style: chr17-68343729-C-T. GRCh37 (hg19) VCF-style: chr17-66339870-C-T.
Other names: c.344C>T, p.Pro115Leu (NM_001352899.2, NM_001352900.2, NM_001352901.2 and 9 more transcripts); c.344C>T (NM_014960.3); short protein forms P115L.
Identifiers: ClinVar variation 1494523 (VCV001494523.5), dbSNP rs752067448, ClinGen allele CA8728171.

ClinVar aggregate classification (germline): Uncertain significance. Review status: criteria provided, multiple submitters, no conflicts (2 of 4 stars). 2 submissions from 2 submitters: Uncertain significance (2). Last evaluated 2025-09-10.

Allele frequency attached by ClinVar (database versions not stated): gnomAD 0.00001; ExAC 0.00003.
gnomAD v4.1: 19 of 1,614,054 alleles (0.0012%); highest among the groups gnomAD compares: Middle Eastern, 0.016%; no homozygotes.

Submissions (2):

Ambry Genetics
Classification: Uncertain significance. Last evaluated: 2025-09-10. Review status: criteria provided, single submitter. Criteria: Ambry Variant Classification Scheme 2023. Collection method: clinical testing. Allele origin: germline.

Labcorp Genetics (formerly Invitae), Labcorp
Classification: Uncertain significance. Last evaluated: 2022-11-22. Review status: criteria provided, single submitter. Criteria: Invitae Variant Classification Sherloc (09022015). Collection method: clinical testing. Allele origin: germline.
Comment: In summary, the available evidence is currently insufficient to determine the role of this variant in disease. Therefore, it has been classified as a Variant of Uncertain Significance. Advanced modeling of protein sequence and biophysical properties (such as structural, functional, and spatial information, amino acid conservation, physicochemical variation, residue mobility, and thermodynamic stability) performed at Invitae indicates that this missense variant is expected to disrupt ARSG protein function. ClinVar contains an entry for this variant (Variation ID: 1494523). This variant has not been reported in the literature in individuals affected with ARSG-related conditions. This variant is present in population databases (rs752067448, gnomAD 0.01%). This sequence change replaces proline, which is neutral and non-polar, with leucine, which is neutral and non-polar, at codon 115 of the ARSG protein (p.Pro115Leu).